The following is an entry in ClinVar:

ClinVar aggregate classification (germline): Uncertain significance. Review status: criteria provided, multiple submitters, no conflicts (2 of 4 stars). 2 submissions from 2 submitters: Uncertain significance (2). Last evaluated 2022-07-06.

Conditions:
Microcephaly-intellectual disability-sensorineural hearing loss-epilepsy-abnormal muscle tone syndrome (NEDHSB). Also called: NEURODEVELOPMENTAL DISORDER WITH HEARING LOSS, SEIZURES, AND BRAIN ABNORMALITIES. Identifiers: Orphanet 457351, MedGen C4225276, MONDO:0014698, OMIM 616577.

Allele frequency attached by ClinVar (database versions not stated): gnomAD exomes below 0.00001; TOPMed below 0.00001; gnomAD 0.00001.
gnomAD v4.1: 8 of 1,613,900 alleles (0.0005%); highest among the groups gnomAD compares: Non-Finnish European, 0.00068%; no homozygotes.

Submissions (2):

Blueprint Genetics
Classification: Uncertain significance. Last evaluated: 2022-07-06. Review status: criteria provided, single submitter. Criteria: ACMG Guidelines, 2015. Collection method: clinical testing. Allele origin: germline.

Labcorp Genetics (formerly Invitae), Labcorp
Classification: Uncertain significance for Microcephaly-intellectual disability-sensorineural hearing loss-epilepsy-abnormal muscle tone syndrome. Last evaluated: 2019-03-31. Review status: criteria provided, single submitter. Criteria: Invitae Variant Classification Sherloc (09022015). Collection method: clinical testing. Allele origin: germline.
Comment: This sequence change replaces alanine with glutamic acid at codon 799 of the SPATA5 protein (p.Ala799Glu). The alanine residue is moderately conserved and there is a moderate physicochemical difference between alanine and glutamic acid. This variant is not present in population databases (ExAC no frequency). This variant has not been reported in the literature in individuals with SPATA5-related conditions. Algorithms developed to predict the effect of missense changes on protein structure and function are either unavailable or do not agree on the potential impact of this missense change (SIFT: Deleterious; PolyPhen-2: Benign; Align-GVGD: Class C0). In summary, the available evidence is currently insufficient to determine the role of this variant in disease. Therefore, it has been classified as a Variant of Uncertain Significance.

NM_145207.3(AFG2A):c.2396C>A (p.Ala799Glu)

Gene: AFG2A (AAA ATPase AFG2A; plus strand). Cytogenetic location: 4q28.1.
Variant type: single nucleotide variant.
Coding change: c.2396C>A on transcript NM_145207.3 (MANE Select); coding-DNA position 2396, C replaced by A.
Protein change: p.Ala799Glu; replaces alanine 799 with glutamic acid.
Molecular consequence: missense variant.
Genome position (GRCh38, 1-based): chr4:123,256,071, C>A. VCF-style: chr4-123256071-C-A. GRCh37 (hg19) VCF-style: chr4-124177226-C-A.
Other names: c.2393C>A, p.Ala798Glu (NM_001345856.2); short protein forms A799E, A798E.
Identifiers: ClinVar variation 845071 (VCV000845071.3), dbSNP rs1452110707, ClinGen allele CA358230621.